The following is an entry in ClinVar:

ClinVar aggregate classification (germline): Likely benign (1 of 4 stars; one submission).

Allele frequency attached by ClinVar (database versions not stated): 1000 Genomes Project 30x 0.00031; TOPMed 0.00014.
gnomAD v4.1: 114 of 1,589,996 alleles (0.0072%); highest among the groups gnomAD compares: Admixed American, 0.2%; 2 homozygotes.

Submission:

Laboratory for Molecular Medicine, Mass General Brigham Personalized Medicine
Classification: Likely benign. Last evaluated: 2017-08-23. Review status: criteria provided, single submitter. Criteria: LMM Criteria. Collection method: clinical testing. Allele origin: germline. Observed: 1 variant allele.
Comment: c.*13C>A in exon 5 of SLC52A3: This variant is not expected to have clinical sig nificance because it has been identified in 0.62% (26/4170) of Latino chromosome s by the Exome Aggregation Consortium (ExAC; dbS NP rs768028308).

NM_033409.4(SLC52A3):c.*13C>A

Gene: SLC52A3 (solute carrier family 52 member 3; minus strand). Cytogenetic location: 20p13.
Variant type: single nucleotide variant.
Coding change: c.*13C>A on transcript NM_033409.4 (MANE Select); 13 bases downstream of the stop codon, C replaced by A.
Molecular consequence: 3 prime UTR variant.
Genome position (GRCh38, 1-based): chr20:761,013, G>T on the plus strand (C>A on the coding strand, the complement: SLC52A3 is on the minus strand). VCF-style: chr20-761013-G-T. GRCh37 (hg19) VCF-style: chr20-741657-G-T.
Other names: c.*13C>A (NM_001370085.1, NM_001370086.1).
Identifiers: ClinVar variation 667164 (VCV000667164.4), dbSNP rs768028308, ClinGen allele CA9724501.